The following is an entry in ClinVar:

ClinVar aggregate classification (germline): Uncertain significance (1 of 4 stars; one submission).

Conditions:
Regional enteritis. Also called: Enteritis, Granulomatous. Identifiers: MedGen C0678202, MeSH D003424.
Blau syndrome (BLAUS). Also called: GRANULOMATOSIS, FAMILIAL JUVENILE SYSTEMIC; GRANULOMATOSIS, FAMILIAL, BLAU TYPE; GRANULOMATOUS INFLAMMATORY ARTHRITIS, DERMATITIS, AND UVEITIS, FAMILIAL; JABS SYNDROME; ARTHROCUTANEOUVEAL GRANULOMATOSIS. Identifiers: Orphanet 90340, MedGen C5201146, MONDO:0008523, OMIM 186580.

Submission:

Labcorp Genetics (formerly Invitae), Labcorp
Classification: Uncertain significance for Regional enteritis; Blau syndrome. Last evaluated: 2022-06-27. Review status: criteria provided, single submitter. Criteria: Invitae Variant Classification Sherloc (09022015). Collection method: clinical testing. Allele origin: germline.
Comment: This sequence change replaces valine, which is neutral and non-polar, with glycine, which is neutral and non-polar, at codon 793 of the NOD2 protein (p.Val793Gly). This variant is not present in population databases (gnomAD no frequency). This variant has not been reported in the literature in individuals affected with NOD2-related conditions. Advanced modeling of protein sequence and biophysical properties (such as structural, functional, and spatial information, amino acid conservation, physicochemical variation, residue mobility, and thermodynamic stability) performed at Invitae indicates that this missense variant is not expected to disrupt NOD2 protein function. In summary, the available evidence is currently insufficient to determine the role of this variant in disease. Therefore, it has been classified as a Variant of Uncertain Significance.

NM_001370466.1(NOD2):c.2297T>G (p.Val766Gly)

Gene: NOD2 (nucleotide binding oligomerization domain containing 2; plus strand). Cytogenetic location: 16q12.1.
Variant type: single nucleotide variant.
Coding change: c.2297T>G on transcript NM_001370466.1 (MANE Select); coding-DNA position 2297, T replaced by G.
Protein change: p.Val766Gly; replaces valine 766 with glycine.
Molecular consequence: missense variant. On other transcripts: non-coding transcript variant (1).
Genome position (GRCh38, 1-based): chr16:50,712,289, T>G. VCF-style: chr16-50712289-T-G. GRCh37 (hg19) VCF-style: chr16-50746200-T-G.
Other names: c.2297T>G, p.Val766Gly (NM_001293557.2); c.2378T>G, p.Val793Gly (NM_022162.3); short protein forms V766G, V793G.
Identifiers: ClinVar variation 1363271 (VCV001363271.8), dbSNP rs1200152449, ClinGen allele CA395872030.
Genomic context (GRCh38, chr16:50,712,289, plus strand): 5'-GTGTGGGCCCCACTGAGTGTGCTGCCCTGGCCTTTGTGCTGCAGCACCTCCGGCGGCCCG[T>G]GGCCCTGCAGCTGGACTACAACTCTGTGGGTGACATTGGCGTGGAGCAGCTGCTGCCTTG-3'
Protein context (NP_001357395.1, residues 756-776): AFVLQHLRRP[Val766Gly]ALQLDYNSVG